The following is an entry in ClinVar:

NM_000096.4(CP):c.1950A>C (p.Gly650=)

Gene: CP (ceruloplasmin; minus strand). Cytogenetic location: 3q24.
Variant type: single nucleotide variant.
Coding change: c.1950A>C on transcript NM_000096.4 (MANE Select); coding-DNA position 1950, A replaced by C.
Protein change: p.Gly650=; no amino-acid change (glycine 650 retained).
Molecular consequence: synonymous variant.
Genome position (GRCh38, 1-based): chr3:149,186,647, T>G on the plus strand (A>C on the coding strand, the complement: CP is on the minus strand). VCF-style: chr3-149186647-T-G. GRCh37 (hg19) VCF-style: chr3-148904434-T-G.
Other names: p.Gly650=.
Identifiers: ClinVar variation 128838 (VCV000128838.28), dbSNP rs1053709, ClinGen allele CA152490.
Genomic context (GRCh38, chr3:149,186,647, plus strand): 5'-TTCTCCTCTCCACAGATATGTGTTTCCTGAAAAGTATATTCCATGTACATCGGCCTCATT[T>G]CCGGCGCTGAATAAGTACCACACGACCGAATCTCCTTTGCACATAGTGAGACCCGGCTGA-3'
Protein context (NP_000087.2, residues 640-660): DSVVWYLFSA[Gly650=]NEADVHGIYF

ClinVar aggregate classification (germline): Benign. Review status: criteria provided, multiple submitters, no conflicts (2 of 4 stars). 10 submissions from 10 submitters: Benign (7). 3 of the submissions do not count toward it. Last evaluated 2026-02-04.

Conditions:
Deficiency of ferroxidase (ACEP). Also called: Aceruloplasminemia; NEURODEGENERATION WITH BRAIN IRON ACCUMULATION 10; Ceruloplasmin deficiency; Familial apoceruloplasmin deficiency; Hereditary ceruloplasmin deficiency; Deficiency of ceruloplasmin. Identifiers: Orphanet 48818, MedGen C0878682, MONDO:0011426, OMIM 604290, HP:0025498.

Allele frequency attached by ClinVar (database versions not stated): 1000 Genomes Project 0.01957; 1000 Genomes Project 30x 0.02046; TOPMed 0.04127; gnomAD 0.04163 and 0.04222; ExAC 0.04393; gnomAD exomes 0.04407 and 0.05710; ESP Exome Variant Server 0.04452.
gnomAD v4.1: 89,802 of 1,614,152 alleles (5.6%); highest among the groups gnomAD compares: Middle Eastern, 6.6%; 2,832 homozygotes.

Submissions (10):

Labcorp Genetics (formerly Invitae), Labcorp
Classification: Benign for Deficiency of ferroxidase. Last evaluated: 2026-02-04. Review status: criteria provided, single submitter. Criteria: Invitae Variant Classification Sherloc (09022015). Collection method: clinical testing. Allele origin: germline.

Blueprint Genetics
Classification: Benign. Last evaluated: 2024-11-26. Review status: criteria provided, single submitter. Criteria: ACMG Guidelines, 2015. Collection method: clinical testing. Allele origin: germline.

Mayo Clinic Laboratories, Mayo Clinic
Classification: Benign. Last evaluated: 2022-03-24. Review status: criteria provided, single submitter. Criteria: ACMG Guidelines, 2015. Collection method: clinical testing. Allele origin: germline. Observed: 130 variant alleles.

GeneDx
Classification: Benign. Last evaluated: 2018-07-09. Review status: criteria provided, single submitter. Criteria: GeneDx Variant Classification Process June 2021. Collection method: clinical testing. Allele origin: germline. Affected: yes.

Illumina Laboratory Services, Illumina
Classification: Benign for Deficiency of ferroxidase. Last evaluated: 2018-01-13. Review status: criteria provided, single submitter. Criteria: ICSL Variant Classification Criteria 13 December 2019. Collection method: clinical testing. Allele origin: germline.
Comment: This variant was observed in the ICSL laboratory as part of a predisposition screen in an ostensibly healthy population. It had not been previously curated by ICSL or reported in the Human Gene Mutation Database (HGMD: prior to June 1st, 2018), and was therefore a candidate for classification through an automated scoring system. Utilizing variant allele frequency, disease prevalence and penetrance estimates, and inheritance mode, an automated score was calculated to assess if this variant is too frequent to cause the disease. Based on the score and internal cut-off values, a variant classified as benign is not then subjected to further curation. The score for this variant resulted in a classification of benign for this disease.

Genetic Services Laboratory, University of Chicago
Classification: Benign for AllHighlyPenetrant. Last evaluated: 2013-03-04. Review status: criteria provided, single submitter. Criteria: ACMG Guidelines, 2007. Collection method: clinical testing. Allele origin: germline. Inheritance: Autosomal recessive inheritance.

Breakthrough Genomics
Classification: Benign. Review status: criteria provided, single submitter. Criteria: ACMG Guidelines, 2015. Collection method: not provided. Allele origin: germline. Inheritance: Autosomal recessive inheritance. Affected: yes.

Clinical Genetics DNA and cytogenetics Diagnostics Lab, Erasmus MC, Erasmus Medical Center
Classification: Benign. Review status: no assertion criteria provided. Collection method: clinical testing. Allele origin: germline. Affected: yes. Study: VKGL Data-share Consensus. Not counted in ClinVar's aggregate classification.

Genome Diagnostics Laboratory, Amsterdam University Medical Center
Classification: Benign. Review status: no assertion criteria provided. Collection method: clinical testing. Allele origin: germline. Affected: yes. Study: VKGL Data-share Consensus. Not counted in ClinVar's aggregate classification.

Joint Genome Diagnostic Labs from Nijmegen and Maastricht, Radboudumc and MUMC+
Classification: Benign. Review status: no assertion criteria provided. Collection method: clinical testing. Allele origin: germline. Affected: yes. Study: VKGL Data-share Consensus. Not counted in ClinVar's aggregate classification.